The following is an entry in ClinVar:

ClinVar aggregate classification (germline): Pathogenic (0 of 4 stars; one submission).

Conditions:
Fanconi anemia complementation group G. Also called: FANCG-Related Fanconi Anemia; Fanconi anemia group G. Identifiers: Orphanet 84, MedGen C3469527, MONDO:0013565, OMIM 614082.

Submission:

Leiden Open Variation Database
Classification: Pathogenic for Fanconi anemia complementation group G. Last evaluated: 2011-02-07. Review status: no assertion criteria provided. Collection method: curation. Allele origin: germline. Affected: yes.
Comment: Curator: Arleen D. Auerbach. Submitter to LOVD: Arleen D. Auerbach.

Literature cited by the submitters: PubMed 11093276; PubMed 11438206.

NM_004629.2(FANCG):c.1636G>C (p.Gly546Arg)

Gene: FANCG (FA complementation group G; minus strand). Cytogenetic location: 9p13.3.
Variant type: single nucleotide variant.
Coding change: c.1636G>C on transcript NM_004629.2 (MANE Select); coding-DNA position 1636, G replaced by C.
Protein change: p.Gly546Arg; replaces glycine 546 with arginine.
Molecular consequence: missense variant.
Genome position (GRCh38, 1-based): chr9:35,074,927, C>G on the plus strand (G>C on the coding strand, the complement: FANCG is on the minus strand). VCF-style: chr9-35074927-C-G. GRCh37 (hg19) VCF-style: chr9-35074924-C-G.
Other names: short protein forms G546R.
Identifiers: ClinVar variation 929702 (VCV000929702.1), dbSNP rs766086210, ClinGen allele CA373303189.
Genomic context (GRCh38, chr9:35,074,927, plus strand): 5'-CCATGGGCCTCTCTGTCCTTGCACATCTATGCATAGCCGACGTCATGCAAGTATACATAC[C>G]TGGGCACATCTGCACACTGAGGAGGAAGTCCTGTAAGGCTTTGGTATCCTGGCCGCTGGC-3'
Protein context (NP_004620.1, residues 536-556): DFLLSVQMCP[Gly546Arg]NRDTYFHLLQ